The following is an entry in ClinVar:

NM_014391.3(ANKRD1):c.615G>T (p.Leu205Phe)

Gene: ANKRD1 (ankyrin repeat domain 1; minus strand). Cytogenetic location: 10q23.31.
Variant type: single nucleotide variant.
Coding change: c.615G>T on transcript NM_014391.3 (MANE Select); coding-DNA position 615, G replaced by T.
Protein change: p.Leu205Phe; replaces leucine 205 with phenylalanine.
Molecular consequence: missense variant.
Genome position (GRCh38, 1-based): chr10:90,916,207, C>A on the plus strand (G>T on the coding strand, the complement: ANKRD1 is on the minus strand). VCF-style: chr10-90916207-C-A. GRCh37 (hg19) VCF-style: chr10-92675964-C-A.
Other names: short protein forms L205F.
Identifiers: ClinVar variation 2144229 (VCV002144229.4), dbSNP rs1284770304, ClinGen allele CA377550706.

ClinVar aggregate classification (germline): Uncertain significance. Review status: criteria provided, multiple submitters, no conflicts (2 of 4 stars). 2 submissions from 2 submitters: Uncertain significance (2). Last evaluated 2025-10-26.

Conditions:
Cardiovascular phenotype. Identifiers: MedGen CN230736.
ANKRD1-related dilated cardiomyopathy. Identifiers: MedGen CN119551.

Allele frequency attached by ClinVar (database versions not stated): gnomAD 0.00001; TOPMed 0.00001.
gnomAD v4.1: 8 of 1,613,736 alleles (0.0005%); highest among the groups gnomAD compares: Non-Finnish European, 0.00068%; no homozygotes.

Submissions (2):

Ambry Genetics
Classification: Uncertain significance for Cardiovascular phenotype. Last evaluated: 2025-10-26. Review status: criteria provided, single submitter. Criteria: Ambry Variant Classification Scheme 2023. Collection method: clinical testing. Allele origin: germline.
Comment: The p.L205F variant (also known as c.615G>T), located in coding exon 6 of the ANKRD1 gene, results from a G to T substitution at nucleotide position 615. The leucine at codon 205 is replaced by phenylalanine, an amino acid with highly similar properties. This amino acid position is conserved. In addition, this alteration is predicted to be deleterious by in silico analysis. Based on the available evidence, the clinical significance of this variant remains unclear.

Labcorp Genetics (formerly Invitae), Labcorp
Classification: Uncertain significance for ANKRD1-related dilated cardiomyopathy. Last evaluated: 2021-12-02. Review status: criteria provided, single submitter. Criteria: Invitae Variant Classification Sherloc (09022015). Collection method: clinical testing. Allele origin: germline.
Comment: In summary, the available evidence is currently insufficient to determine the role of this variant in disease. Therefore, it has been classified as a Variant of Uncertain Significance. Algorithms developed to predict the effect of missense changes on protein structure and function are either unavailable or do not agree on the potential impact of this missense change (SIFT: "Deleterious"; PolyPhen-2: "Probably Damaging"; Align-GVGD: "Class C15"). This variant has not been reported in the literature in individuals affected with ANKRD1-related conditions. This variant is present in population databases (no rsID available, gnomAD 0.0009%). This sequence change replaces leucine, which is neutral and non-polar, with phenylalanine, which is neutral and non-polar, at codon 205 of the ANKRD1 protein (p.Leu205Phe).